The following is an entry in ClinVar:

NM_139125.4(MASP1):c.1491T>C (p.His497=)

Gene: MASP1 (MBL associated serine protease 1; minus strand). Cytogenetic location: 3q27.3.
Variant type: single nucleotide variant.
Coding change: c.1491T>C on transcript NM_139125.4 (MANE Select); coding-DNA position 1491, T replaced by C.
Protein change: p.His497=; no amino-acid change (histidine 497 retained).
Molecular consequence: synonymous variant. On other transcripts: non-coding transcript variant (1), intron variant (1).
Genome position (GRCh38, 1-based): chr3:187,236,380, A>G on the plus strand (T>C on the coding strand, the complement: MASP1 is on the minus strand). VCF-style: chr3-187236380-A-G. GRCh37 (hg19) VCF-style: chr3-186954168-A-G.
Other names: c.1303+5101T>C (NM_001879.6).
Identifiers: ClinVar variation 4534489 (VCV004534489.6).

ClinVar aggregate classification (germline): Likely benign (1 of 4 stars; one submission).

gnomAD v4.1: 2 of 1,614,202 alleles (0.00012%); highest among the groups gnomAD compares: East Asian, 0.0045%; no homozygotes.

Submission:

CeGaT Center for Human Genetics Tuebingen
Classification: Likely benign. Last evaluated: 2025-10-01. Review status: criteria provided, single submitter. Criteria: CeGaT Center For Human Genetics Tuebingen Variant Classification Criteria Version 2. Collection method: clinical testing. Allele origin: germline. Affected: yes. Observed: 1 variant allele.
Comment: MASP1: BP4, BP7